The following is an entry in ClinVar:

ClinVar aggregate classification (germline): Benign (1 of 4 stars; one submission).

Conditions:
Charcot-Marie-Tooth disease type 1C. Also called: CHARCOT-MARIE-TOOTH DISEASE, DEMYELINATING, TYPE 1C; CMT, SLOW NERVE CONDUCTION TYPE C; HMSN IC; Charcot-Marie-Tooth disease, type IC; CHARCOT-MARIE-TOOTH NEUROPATHY, TYPE 1C; NEUROPATHY, HEREDITARY MOTOR AND SENSORY, TYPE IC. Identifiers: Orphanet 101083, MedGen C0270913, MONDO:0010995, OMIM 601098.

Allele frequency attached by ClinVar (database versions not stated): TOPMed 0.01179; ExAC 0.01356; gnomAD exomes 0.01448 and 0.01866; 1000 Genomes Project 30x 0.00734; 1000 Genomes Project 0.00739.
gnomAD v4.1: 7,688 of 453,962 alleles (1.7%); highest among the groups gnomAD compares: Non-Finnish European, 2.2%; 94 homozygotes.

Submission:

Illumina Laboratory Services, Illumina
Classification: Benign for Charcot-Marie-Tooth disease type 1C. Last evaluated: 2018-01-13. Review status: criteria provided, single submitter. Criteria: ICSL Variant Classification Criteria 13 December 2019. Collection method: clinical testing. Allele origin: germline.
Comment: This variant was observed in the ICSL laboratory as part of a predisposition screen in an ostensibly healthy population. It had not been previously curated by ICSL or reported in the Human Gene Mutation Database (HGMD: prior to June 1st, 2018), and was therefore a candidate for classification through an automated scoring system. Utilizing variant allele frequency, disease prevalence and penetrance estimates, and inheritance mode, an automated score was calculated to assess if this variant is too frequent to cause the disease. Based on the score and internal cut-off values, a variant classified as benign is not then subjected to further curation. The score for this variant resulted in a classification of benign for this disease.

NM_001136472.2(LITAF):c.*711G>T

Gene: LITAF (lipopolysaccharide induced TNF factor; minus strand). Cytogenetic location: 16p13.13.
Variant type: single nucleotide variant.
Coding change: c.*711G>T on transcript NM_001136472.2 (MANE Select); 711 bases downstream of the stop codon, G replaced by T.
Molecular consequence: 3 prime UTR variant. On other transcripts: non-coding transcript variant (1).
Genome position (GRCh38, 1-based): chr16:11,548,926, C>A on the plus strand (G>T on the coding strand, the complement: LITAF is on the minus strand). VCF-style: chr16-11548926-C-A. GRCh37 (hg19) VCF-style: chr16-11642782-C-A.
Other names: c.*836G>T (NM_001136473.1); c.*711G>T (NM_004862.4).
Identifiers: ClinVar variation 317767 (VCV000317767.5), dbSNP rs117082330, ClinGen allele CA7903937.
Genomic context (GRCh38, chr16:11,548,926, plus strand): 5'-TCATAAAAACTGTTCATATAATTACTCTATGAGAAAAAAATCCCTGTATGGAAAGGGGCA[C>A]TGAAGATCTGGCACAGAGAAACAAGGGGAGACAGGGCAGTGATAAGATCCAGCCCTATTT-3'